The following is an entry in ClinVar:

ClinVar aggregate classification (germline): Uncertain significance. Review status: criteria provided, multiple submitters, no conflicts (2 of 4 stars). 3 submissions from 3 submitters: Uncertain significance (3). Last evaluated 2025-10-07.

Conditions:
Inborn genetic diseases. Identifiers: MedGen C0950123, MeSH D030342.

Allele frequency attached by ClinVar (database versions not stated): TOPMed 0.00003; ExAC 0.00005; gnomAD 0.00005; 1000 Genomes Project 0.00020; 1000 Genomes Project 30x 0.00031.
gnomAD v4.1: 102 of 1,614,046 alleles (0.0063%); highest among the groups gnomAD compares: Non-Finnish European, 0.0076%; no homozygotes.

Submissions (3):

Labcorp Genetics (formerly Invitae), Labcorp
Classification: Uncertain significance. Last evaluated: 2025-10-07. Review status: criteria provided, single submitter. Criteria: Invitae Variant Classification Sherloc (09022015). Collection method: clinical testing. Allele origin: germline.
Comment: This sequence change replaces arginine, which is basic and polar, with cysteine, which is neutral and slightly polar, at codon 1510 of the EPRS protein (p.Arg1510Cys). This variant is present in population databases (rs547115453, gnomAD 0.01%). This variant has not been reported in the literature in individuals affected with EPRS-related conditions. ClinVar contains an entry for this variant (Variation ID: 2189890). An algorithm developed to predict the effect of missense changes on protein structure and function (PolyPhen-2) suggests that this variant is likely to be disruptive. In summary, the available evidence is currently insufficient to determine the role of this variant in disease. Therefore, it has been classified as a Variant of Uncertain Significance.

Ambry Genetics
Classification: Uncertain significance for Inborn genetic diseases. Last evaluated: 2025-08-07. Review status: criteria provided, single submitter. Criteria: Ambry Variant Classification Scheme 2023. Collection method: clinical testing. Allele origin: germline.

Blueprint Genetics
Classification: Uncertain significance. Last evaluated: 2024-10-11. Review status: criteria provided, single submitter. Criteria: ACMG Guidelines, 2015. Collection method: clinical testing. Allele origin: germline.

NM_004446.3(EPRS1):c.4528C>T (p.Arg1510Cys)

Gene: EPRS1 (glutamyl-prolyl-tRNA synthetase 1; minus strand). Cytogenetic location: 1q41.
Variant type: single nucleotide variant.
Coding change: c.4528C>T on transcript NM_004446.3 (MANE Select); coding-DNA position 4528, C replaced by T.
Protein change: p.Arg1510Cys; replaces arginine 1510 with cysteine.
Molecular consequence: missense variant.
Genome position (GRCh38, 1-based): chr1:219,968,817, G>A on the plus strand (C>T on the coding strand, the complement: EPRS1 is on the minus strand). VCF-style: chr1-219968817-G-A. GRCh37 (hg19) VCF-style: chr1-220142159-G-A.
Other names: c.4528C>T (NM_004446.2); short protein forms R1510C.
Identifiers: ClinVar variation 2189890 (VCV002189890.7), dbSNP rs547115453, ClinGen allele CA1399382.